The following is an entry in ClinVar:

ClinVar aggregate classification (germline): Conflicting classifications of pathogenicity. Review status: criteria provided, conflicting classifications (1 of 4 stars). 2 submissions from 2 submitters: Uncertain significance (1); Likely benign (1). Last evaluated 2025-05-30.

Conditions:
Adams-Oliver syndrome 5 (AOS5). Identifiers: Orphanet 974, MedGen C4014970, MONDO:0014459, OMIM 616028.
Familial thoracic aortic aneurysm and aortic dissection (TAAD). Also called: Thoracic aortic aneurysms and dissections. Identifiers: Orphanet 91387, MedGen C4707243, MONDO:0019625.

Allele frequency attached by ClinVar (database versions not stated): gnomAD exomes below 0.00001.
gnomAD v4.1: 1 of 1,611,992 alleles (0.000062%); highest among the groups gnomAD compares: Admixed American, 0.0017%; no homozygotes.

Submissions (2):

Labcorp Genetics (formerly Invitae), Labcorp
Classification: Likely benign for Adams-Oliver syndrome 5. Last evaluated: 2025-05-30. Review status: criteria provided, single submitter. Criteria: Invitae Variant Classification Sherloc (09022015). Collection method: clinical testing. Allele origin: germline.

Ambry Genetics
Classification: Uncertain significance for Familial thoracic aortic aneurysm and aortic dissection. Last evaluated: 2025-04-14. Review status: criteria provided, single submitter. Criteria: Ambry Variant Classification Scheme 2023. Collection method: clinical testing. Allele origin: germline.
Comment: The p.N113S variant (also known as c.338A>G), located in coding exon 3 of the NOTCH1 gene, results from an A to G substitution at nucleotide position 338. The asparagine at codon 113 is replaced by serine, an amino acid with highly similar properties. This amino acid position is conserved. In addition, the in silico prediction for this alteration is inconclusive. Since supporting evidence is limited at this time, the clinical significance of this alteration remains unclear.

NM_017617.5(NOTCH1):c.338A>G (p.Asn113Ser)

Gene: NOTCH1 (notch receptor 1; minus strand). Cytogenetic location: 9q34.3.
Variant type: single nucleotide variant.
Coding change: c.338A>G on transcript NM_017617.5 (MANE Select); coding-DNA position 338, A replaced by G.
Protein change: p.Asn113Ser; replaces asparagine 113 with serine.
Molecular consequence: missense variant.
Genome position (GRCh38, 1-based): chr9:136,523,782, T>C on the plus strand (A>G on the coding strand, the complement: NOTCH1 is on the minus strand). VCF-style: chr9-136523782-T-C. GRCh37 (hg19) VCF-style: chr9-139418234-T-C.
Other names: short protein forms N113S.
Identifiers: ClinVar variation 1730880 (VCV001730880.8), dbSNP rs1416140685, ClinGen allele CA375572644.